The following is an entry in ClinVar:

NM_001291303.3(FAT4):c.7267G>A (p.Ala2423Thr)

Gene: FAT4 (FAT atypical cadherin 4; plus strand). Cytogenetic location: 4q28.1.
Variant type: single nucleotide variant.
Coding change: c.7267G>A on transcript NM_001291303.3 (MANE Select); coding-DNA position 7267, G replaced by A.
Protein change: p.Ala2423Thr; replaces alanine 2423 with threonine.
Molecular consequence: missense variant.
Genome position (GRCh38, 1-based): chr4:125,446,360, G>A. VCF-style: chr4-125446360-G-A. GRCh37 (hg19) VCF-style: chr4-126367515-G-A.
Other names: c.7267G>A, p.Ala2423Thr (NM_001291285.3); c.7261G>A, p.Ala2421Thr (NM_024582.6); c.7261G>A (NM_024582.5); short protein forms A2421T, A2423T.
Identifiers: ClinVar variation 587426 (VCV000587426.10), dbSNP rs776977766, ClinGen allele CA3073154.

ClinVar aggregate classification (germline): Uncertain significance. Review status: criteria provided, multiple submitters, no conflicts (2 of 4 stars). 3 submissions from 3 submitters: Uncertain significance (3). Last evaluated 2024-05-03.

Conditions:
Hennekam lymphangiectasia-lymphedema syndrome 2 (HKLLS2). Identifiers: Orphanet 2136, MedGen C4014939, MONDO:0014454, OMIM 616006.
Van Maldergem syndrome 2 (VMLDS2). Identifiers: Orphanet 314679, MedGen C3809875, MONDO:0014242, OMIM 615546.

Allele frequency attached by ClinVar (database versions not stated): TOPMed 0.00002.
gnomAD v4.1: 76 of 1,612,944 alleles (0.0047%); highest among the groups gnomAD compares: South Asian, 0.022%; no homozygotes.

Submissions (3):

Fulgent Genetics
Classification: Uncertain significance for Van Maldergem syndrome 2; Hennekam lymphangiectasia-lymphedema syndrome 2. Last evaluated: 2024-05-03. Review status: criteria provided, single submitter. Criteria: ACMG Guidelines, 2015. Collection method: clinical testing. Allele origin: germline.

Labcorp Genetics (formerly Invitae), Labcorp
Classification: Uncertain significance. Last evaluated: 2022-03-19. Review status: criteria provided, single submitter. Criteria: Invitae Variant Classification Sherloc (09022015). Collection method: clinical testing. Allele origin: germline.
Comment: This sequence change replaces alanine, which is neutral and non-polar, with threonine, which is neutral and polar, at codon 2421 of the FAT4 protein (p.Ala2421Thr). This variant is present in population databases (rs776977766, gnomAD 0.02%). This variant has not been reported in the literature in individuals affected with FAT4-related conditions. ClinVar contains an entry for this variant (Variation ID: 587426). Advanced modeling of protein sequence and biophysical properties (such as structural, functional, and spatial information, amino acid conservation, physicochemical variation, residue mobility, and thermodynamic stability) performed at Invitae indicates that this missense variant is not expected to disrupt FAT4 protein function. In summary, the available evidence is currently insufficient to determine the role of this variant in disease. Therefore, it has been classified as a Variant of Uncertain Significance.

Genomic Research Center, Shahid Beheshti University of Medical Sciences
Classification: Uncertain significance. Last evaluated: 2018-08-07. Review status: criteria provided, single submitter. Criteria: ACMG Guidelines, 2015. Collection method: clinical testing. Allele origin: inherited. Affected: no. Observed: 1 variant allele.